The following is an entry in ClinVar:

ClinVar aggregate classification (germline): Uncertain significance. Review status: criteria provided, multiple submitters, no conflicts (2 of 4 stars). 2 submissions from 2 submitters: Uncertain significance (2). Last evaluated 2023-05-22.

Conditions:
RYR1-related disorder. Also called: RYR1-related condition; RYR1-related disorders. Identifiers: MedGen CN239331.

Allele frequency attached by ClinVar (database versions not stated): gnomAD exomes below 0.00001.
gnomAD v4.1: 2 of 1,598,910 alleles (0.00013%); highest among the groups gnomAD compares: Non-Finnish European, 0.00017%; no homozygotes.

Submissions (2):

Labcorp Genetics (formerly Invitae), Labcorp
Classification: Uncertain significance for RYR1-related disorder. Last evaluated: 2023-05-22. Review status: criteria provided, single submitter. Criteria: Invitae Variant Classification Sherloc (09022015). Collection method: clinical testing. Allele origin: germline.
Comment: In summary, the available evidence is currently insufficient to determine the role of this variant in disease. Therefore, it has been classified as a Variant of Uncertain Significance. Advanced modeling of protein sequence and biophysical properties (such as structural, functional, and spatial information, amino acid conservation, physicochemical variation, residue mobility, and thermodynamic stability) performed at Invitae indicates that this missense variant is not expected to disrupt RYR1 protein function. ClinVar contains an entry for this variant (Variation ID: 1371876). This variant has not been reported in the literature in individuals affected with RYR1-related conditions. This variant is not present in population databases (gnomAD no frequency). This sequence change replaces glutamic acid, which is acidic and polar, with lysine, which is basic and polar, at codon 1894 of the RYR1 protein (p.Glu1894Lys).

Revvity Omics, Revvity
Classification: Uncertain significance. Last evaluated: 2019-08-14. Review status: criteria provided, single submitter. Criteria: ACMG Guidelines, 2015. Collection method: clinical testing. Allele origin: germline.

NM_000540.3(RYR1):c.5680G>A (p.Glu1894Lys)

Gene: RYR1 (ryanodine receptor 1; plus strand). Cytogenetic location: 19q13.2.
Variant type: single nucleotide variant.
Coding change: c.5680G>A on transcript NM_000540.3 (MANE Select); coding-DNA position 5680, G replaced by A.
Protein change: p.Glu1894Lys; replaces glutamic acid 1894 with lysine.
Molecular consequence: missense variant.
Genome position (GRCh38, 1-based): chr19:38,489,309, G>A. VCF-style: chr19-38489309-G-A. GRCh37 (hg19) VCF-style: chr19-38979949-G-A.
Other names: c.5680G>A, p.Glu1894Lys (NM_001042723.2); c.5680G>A (NM_000540.2); short protein forms E1894K.
Identifiers: ClinVar variation 1371876 (VCV001371876.8), dbSNP rs1568488417, ClinGen allele CA405658689.